The following is an entry in ClinVar:

NM_002528.7(NTHL1):c.551C>G (p.Thr184Ser)

Gene: NTHL1 (nth like DNA glycosylase 1; minus strand). Cytogenetic location: 16p13.3.
Variant type: single nucleotide variant.
Coding change: c.551C>G on transcript NM_002528.7 (MANE Select); coding-DNA position 551, C replaced by G.
Protein change: p.Thr184Ser; replaces threonine 184 with serine.
Molecular consequence: missense variant.
Genome position (GRCh38, 1-based): chr16:2,043,701, G>C on the plus strand (C>G on the coding strand, the complement: NTHL1 is on the minus strand). VCF-style: chr16-2043701-G-C. GRCh37 (hg19) VCF-style: chr16-2093702-G-C.
Other names: c.551C>G, p.Thr184Ser (LRG_1366t1); c.380C>G, p.Thr127Ser (NM_001318193.2); c.221C>G, p.Thr74Ser (NM_001318194.2); short protein forms T127S, T184S, T74S.
Identifiers: ClinVar variation 645962 (VCV000645962.11), dbSNP rs1243274364, ClinGen allele CA394292317.

ClinVar aggregate classification (germline): Uncertain significance. Review status: criteria provided, multiple submitters, no conflicts (2 of 4 stars). 3 submissions from 3 submitters: Uncertain significance (3). Last evaluated 2025-03-31.

Conditions:
Familial adenomatous polyposis 3. Also called: NTHL1-associated polyposis; NTHL1-related attenuated familial adenomatous polyposis; NTHL1-Related Adenomatous Polyposis and Colorectal Cancer; NTHL1 Tumor Syndrome. Identifiers: Orphanet 220460, Orphanet 454840, MedGen C4225157, MONDO:0014630, OMIM 616415.
Hereditary cancer-predisposing syndrome. Also called: Neoplastic Syndromes, Hereditary; Hereditary Cancer Syndrome; Tumor predisposition; Hereditary neoplastic syndrome. Identifiers: Orphanet 140162, MedGen C0027672, MeSH D009386, MONDO:0015356.

Allele frequency attached by ClinVar (database versions not stated): gnomAD exomes below 0.00001; gnomAD 0.00001; TOPMed 0.00001.
gnomAD v4.1: 4 of 1,612,016 alleles (0.00025%); highest among the groups gnomAD compares: Non-Finnish European, 0.00034%; no homozygotes.

Submissions (3):

Labcorp Genetics (formerly Invitae), Labcorp
Classification: Uncertain significance. Last evaluated: 2025-03-31. Review status: criteria provided, single submitter. Criteria: Invitae Variant Classification Sherloc (09022015). Collection method: clinical testing. Allele origin: germline.
Comment: This sequence change replaces threonine, which is neutral and polar, with serine, which is neutral and polar, at codon 192 of the NTHL1 protein (p.Thr192Ser). This variant is present in population databases (no rsID available, gnomAD 0.007%). This variant has not been reported in the literature in individuals affected with NTHL1-related conditions. ClinVar contains an entry for this variant (Variation ID: 645962). An algorithm developed to predict the effect of missense changes on protein structure and function (PolyPhen-2) suggests that this variant is likely to be disruptive. In summary, the available evidence is currently insufficient to determine the role of this variant in disease. Therefore, it has been classified as a Variant of Uncertain Significance.

Ambry Genetics
Classification: Uncertain significance for Hereditary cancer-predisposing syndrome. Last evaluated: 2024-10-23. Review status: criteria provided, single submitter. Criteria: Ambry Variant Classification Scheme 2023. Collection method: clinical testing. Allele origin: germline.
Comment: The p.T192S variant (also known as c.575C>G), located in coding exon 4 of the NTHL1 gene, results from a C to G substitution at nucleotide position 575. The threonine at codon 192 is replaced by serine, an amino acid with similar properties. This amino acid position is highly conserved in available vertebrate species. In addition, the in silico prediction for this alteration is inconclusive. Since supporting evidence is limited at this time, the clinical significance of this alteration remains unclear.

Baylor Genetics
Classification: Uncertain significance for Familial adenomatous polyposis 3. Last evaluated: 2024-02-28. Review status: criteria provided, single submitter. Criteria: ACMG Guidelines, 2015. Collection method: clinical testing. Allele origin: unknown.